The following is an entry in ClinVar:

NM_003235.5(TG):c.7222C>T (p.Arg2408Trp)

Gene: TG (thyroglobulin; plus strand). Cytogenetic location: 8q24.22.
Variant type: single nucleotide variant.
Coding change: c.7222C>T on transcript NM_003235.5 (MANE Select); coding-DNA position 7222, C replaced by T.
Protein change: p.Arg2408Trp; replaces arginine 2408 with tryptophan.
Molecular consequence: missense variant.
Genome position (GRCh38, 1-based): chr8:133,030,006, C>T. VCF-style: chr8-133030006-C-T. GRCh37 (hg19) VCF-style: chr8-134042251-C-T.
Other names: short protein forms R2408W.
Identifiers: ClinVar variation 2589480 (VCV002589480.5), dbSNP rs778434193, ClinGen allele CA4885165.

ClinVar aggregate classification (germline): Conflicting classifications of pathogenicity. Review status: criteria provided, conflicting classifications (1 of 4 stars). 4 submissions from 4 submitters: Likely pathogenic (1); Uncertain significance (3). Last evaluated 2024-02-29.

Conditions:
Iodotyrosyl coupling defect (TDH3). Also called: HYPOTHYROIDISM, CONGENITAL, DUE TO DYSHORMONOGENESIS, 3; THYROID HORMONOGENESIS, GENETIC DEFECT IN, 3. Identifiers: Orphanet 95716, MedGen C0342194, MONDO:0010135, OMIM 274700.
Inborn genetic diseases. Identifiers: MedGen C0950123, MeSH D030342.

Allele frequency attached by ClinVar (database versions not stated): gnomAD 0.00001; gnomAD exomes 0.00001; TOPMed 0.00001; ExAC 0.00002.
gnomAD v4.1: 24 of 1,614,076 alleles (0.0015%); highest among the groups gnomAD compares: East Asian, 0.0067%; no homozygotes.

Submissions (4):

Baylor Genetics
Classification: Uncertain significance for Iodotyrosyl coupling defect. Last evaluated: 2024-02-29. Review status: criteria provided, single submitter. Criteria: ACMG Guidelines, 2015. Collection method: clinical testing. Allele origin: unknown.

Ambry Genetics
Classification: Uncertain significance for Inborn genetic diseases. Last evaluated: 2023-08-21. Review status: criteria provided, single submitter. Criteria: Ambry Variant Classification Scheme 2023. Collection method: clinical testing. Allele origin: germline.

GeneDx
Classification: Uncertain significance. Last evaluated: 2023-04-05. Review status: criteria provided, single submitter. Criteria: GeneDx Variant Classification Process June 2021. Collection method: clinical testing. Allele origin: germline. Affected: yes.
Comment: In silico analysis supports that this missense variant has a deleterious effect on protein structure/function; Has not been previously published as pathogenic or benign to our knowledge

Clinical Genetics Service, Universitary Hospital 12 de Octubre
Classification: Likely pathogenic for Iodotyrosyl coupling defect. Review status: criteria provided, single submitter. Criteria: ACMG Guidelines, 2015. Collection method: clinical testing. Allele origin: maternal. Affected: yes.